The following is an entry in ClinVar:

NM_020207.7(ERCC6L2):c.316T>C (p.Phe106Leu)

Gene: ERCC6L2 (ERCC excision repair 6 like 2; plus strand). Cytogenetic location: 9q22.32.
Variant type: single nucleotide variant.
Coding change: c.316T>C on transcript NM_020207.7 (MANE Select); coding-DNA position 316, T replaced by C.
Protein change: p.Phe106Leu; replaces phenylalanine 106 with leucine.
Molecular consequence: missense variant. On other transcripts: non-coding transcript variant (1).
Genome position (GRCh38, 1-based): chr9:95,881,138, T>C. VCF-style: chr9-95881138-T-C. GRCh37 (hg19) VCF-style: chr9-98643420-T-C.
Other names: c.316T>C, p.Phe106Leu (NM_001010895.4, NM_001375291.1, NM_001375292.1 and 2 more transcripts); short protein forms F106L.
Identifiers: ClinVar variation 5036093 (VCV005036093.1).

ClinVar aggregate classification (germline): Uncertain significance (1 of 4 stars; one submission).

Conditions:
Inborn genetic diseases. Identifiers: MedGen C0950123, MeSH D030342.

Submission:

Ambry Genetics
Classification: Uncertain significance for Inborn genetic diseases. Last evaluated: 2026-08-04. Review status: criteria provided, single submitter. Criteria: Ambry Variant Classification Scheme 2023. Collection method: clinical testing. Allele origin: germline.
Comment: The p.F106L variant (also known as c.316T>C), located in coding exon 2 of the ERCC6L2 gene, results from a T to C substitution at nucleotide position 316. The phenylalanine at codon 106 is replaced by leucine, an amino acid with highly similar properties. This amino acid position is conserved. In addition, the in silico prediction for this alteration is inconclusive. Based on the available evidence, the clinical significance of this variant remains unclear.